The following is an entry in ClinVar:

NM_000336.3(SCNN1B):c.1546G>A (p.Val516Ile)

Gene: SCNN1B (sodium channel epithelial 1 subunit beta; plus strand). Cytogenetic location: 16p12.2.
Variant type: single nucleotide variant.
Coding change: c.1546G>A on transcript NM_000336.3 (MANE Select); coding-DNA position 1546, G replaced by A.
Protein change: p.Val516Ile; replaces valine 516 with isoleucine.
Molecular consequence: missense variant.
Genome position (GRCh38, 1-based): chr16:23,380,424, G>A. VCF-style: chr16-23380424-G-A. GRCh37 (hg19) VCF-style: chr16-23391745-G-A.
Other names: c.1546G>A (NM_000336.2); short protein forms V516I.
Identifiers: ClinVar variation 996085 (VCV000996085.6), dbSNP rs778557808, ClinGen allele CA7960581.
Genomic context (GRCh38, chr16:23,380,424, plus strand): 5'-TGGGCTAGAGGCAAGAATGTGTGGCCTGAGCTCACCCCAGCTCCCTGTTCCCCACAGATC[G>A]TCTGGCTGCTCTCGAATCTGGGTGGCCAGTTTGGCTTCTGGATGGGGGGCTCTGTGCTGT-3'
Protein context (NP_000327.2, residues 506-526): TIEESAANNI[Val516Ile]WLLSNLGGQF

ClinVar aggregate classification (germline): Uncertain significance. Review status: criteria provided, multiple submitters, no conflicts (2 of 4 stars). 3 submissions from 3 submitters: Uncertain significance (3). Last evaluated 2025-06-12.

Conditions:
Inborn genetic diseases. Identifiers: MedGen C0950123, MeSH D030342.

Allele frequency attached by ClinVar (database versions not stated): gnomAD exomes 0.00024 and 0.00014; gnomAD 0.00013 and 0.00014; ExAC 0.00017; TOPMed 0.00025.
gnomAD v4.1: 222 of 1,614,024 alleles (0.014%); highest among the groups gnomAD compares: Admixed American, 0.092%; no homozygotes.

Submissions (3):

Labcorp Genetics (formerly Invitae), Labcorp
Classification: Uncertain significance. Last evaluated: 2025-06-12. Review status: criteria provided, single submitter. Criteria: Invitae Variant Classification Sherloc (09022015). Collection method: clinical testing. Allele origin: germline.
Comment: This sequence change replaces valine, which is neutral and non-polar, with isoleucine, which is neutral and non-polar, at codon 516 of the SCNN1B protein (p.Val516Ile). This variant is present in population databases (rs778557808, gnomAD 0.1%). This variant has not been reported in the literature in individuals affected with SCNN1B-related conditions. ClinVar contains an entry for this variant (Variation ID: 996085). Invitae Evidence Modeling of protein sequence and biophysical properties (such as structural, functional, and spatial information, amino acid conservation, physicochemical variation, residue mobility, and thermodynamic stability) indicates that this missense variant is not expected to disrupt SCNN1B protein function with a negative predictive value of 80%. In summary, the available evidence is currently insufficient to determine the role of this variant in disease. Therefore, it has been classified as a Variant of Uncertain Significance.

Ambry Genetics
Classification: Uncertain significance for Inborn genetic diseases. Last evaluated: 2021-06-22. Review status: criteria provided, single submitter. Criteria: Ambry Variant Classification Scheme 2023. Collection method: clinical testing. Allele origin: germline.

Johns Hopkins Genomics, Johns Hopkins University
Classification: Uncertain significance. Last evaluated: 2021-01-29. Review status: criteria provided, single submitter. Criteria: ACMG Guidelines, 2015. Collection method: clinical testing. Allele origin: germline.
Comment: This SCNN1B variant (rs778557808) has been identified in a large population dataset and the minor allele frequency is neither low enough to consider the variant rare (<0.1%) nor high enough to consider it a population polymorphism (>1%) within the Latino/Admixed American subpopulation (gnomAD: 40/35438 alleles; 0.11%, no homozygotes). This patientâ€™s ethnicity was not provided. This variant has not been reported in ClinVar nor the literature, to our knowledge. Of three bioinformatics tools queried, two predict that the substitution would be tolerated, while one predicts that it would be damaging. The valine residue at this position is highly evolutionarily conserved across most species assessed. We consider the clinical significance of c.1546G>A to be uncertain at this time.